The following is an entry in ClinVar:

NM_000138.5(FBN1):c.4816+1G>C

Gene: FBN1 (fibrillin 1; minus strand). Cytogenetic location: 15q21.1.
Variant type: single nucleotide variant.
Coding change: c.4816+1G>C on transcript NM_000138.5 (MANE Select); the canonical splice donor site of the intron after coding-DNA position 4816, G replaced by C.
Molecular consequence: splice donor variant.
Genome position (GRCh38, 1-based): chr15:48,465,789, C>G on the plus strand (G>C on the coding strand, the complement: FBN1 is on the minus strand). VCF-style: chr15-48465789-C-G. GRCh37 (hg19) VCF-style: chr15-48757986-C-G.
Other names: c.4816+1G>C (NM_001406716.1).
Identifiers: ClinVar variation 527140 (VCV000527140.10), dbSNP rs1555397014, ClinGen allele CA392351519.
Genomic context (GRCh38, chr15:48,465,789, plus strand): 5'-TGTAAATAAACCCAAGGAAATTCAAGTTGTGTGTGCTTTAAGACAAAGGAAACACAATTA[C>G]CTTCCAATATAACGGTGATAGGATTTGGTCGGAAACCTTCCCCTCCAGGACAAAGAATTT-3'

ClinVar aggregate classification (germline): Pathogenic/Likely pathogenic. Review status: criteria provided, multiple submitters, no conflicts (2 of 4 stars). 2 submissions from 2 submitters: Pathogenic (1); Likely pathogenic (1). Last evaluated 2022-10-28.

Conditions:
Familial thoracic aortic aneurysm and aortic dissection (TAAD). Also called: Thoracic aortic aneurysms and dissections. Identifiers: Orphanet 91387, MedGen C4707243, MONDO:0019625.
Marfan syndrome (MFS). Also called: Marfan syndrome type 1; Marfan syndrome, classic; Marfan's syndrome; FBN1-Related Marfan Syndrome; MARFAN SYNDROME, TYPE I. Identifiers: Orphanet 284963, Orphanet 558, MedGen C0024796, MONDO:0007947, OMIM 154700.
FBN1-related disorder. Also called: FBN1-related disorders.

Submissions (2):

Labcorp Genetics (formerly Invitae), Labcorp
Classification: Pathogenic for Marfan syndrome; Familial thoracic aortic aneurysm and aortic dissection. Last evaluated: 2022-10-28. Review status: criteria provided, single submitter. Criteria: Invitae Variant Classification Sherloc (09022015). Collection method: clinical testing. Allele origin: germline.
Comment: For these reasons, this variant has been classified as Pathogenic. Algorithms developed to predict the effect of sequence changes on RNA splicing suggest that this variant may disrupt the consensus splice site. ClinVar contains an entry for this variant (Variation ID: 527140). Disruption of this splice site has been observed in individuals with Marfan syndrome (PMID: 21542060, 31471346). This variant is not present in population databases (gnomAD no frequency). This sequence change affects a donor splice site in intron 39 of the FBN1 gene. It is expected to disrupt RNA splicing. Variants that disrupt the donor or acceptor splice site typically lead to a loss of protein function (PMID: 16199547), and loss-of-function variants in FBN1 are known to be pathogenic (PMID: 17657824, 19293843).

Blueprint Genetics
Classification: Likely pathogenic for FBN1-related disorders. Last evaluated: 2018-06-14. Review status: criteria provided, single submitter. Criteria: ACMG Guidelines, 2015. Collection method: clinical testing. Allele origin: germline. Affected: yes. Observed: 1 variant allele.

Literature cited by the submitters: PubMed 21542060 (cited by Labcorp Genetics (formerly Invitae), Labcorp); PubMed 31471346 (cited by Labcorp Genetics (formerly Invitae), Labcorp); PubMed 16199547 (cited by Labcorp Genetics (formerly Invitae), Labcorp); PubMed 17657824 (cited by Labcorp Genetics (formerly Invitae), Labcorp); PubMed 19293843 (cited by Labcorp Genetics (formerly Invitae), Labcorp).